The following is an entry in ClinVar:

ClinVar aggregate classification (germline): Uncertain significance (1 of 4 stars; one submission).

Conditions:
PEX14-related disorder. Also called: PEX14-related condition.

gnomAD v4.1: 6 of 1,613,270 alleles (0.00037%); highest among the groups gnomAD compares: Non-Finnish European, 0.00051%; no homozygotes.

Submission:

PreventionGenetics, part of Exact Sciences
Classification: Uncertain significance for PEX14-related condition. Last evaluated: 2025-01-06. Review status: criteria provided, single submitter. Criteria: ACMG Guidelines, 2015. Collection method: clinical testing. Allele origin: germline.
Comment: The PEX14 c.1051C>G variant is predicted to result in the amino acid substitution p.Arg351Gly. To our knowledge, this variant has not been reported in the literature or in a large population database (gnomAD), indicating this variant is rare. At this time, the clinical significance of this variant is uncertain due to the absence of conclusive functional and genetic evidence.

NM_004565.3(PEX14):c.1051C>G (p.Arg351Gly)

Gene: PEX14 (peroxisomal biogenesis factor 14; plus strand). Cytogenetic location: 1p36.22.
Variant type: single nucleotide variant.
Coding change: c.1051C>G on transcript NM_004565.3 (MANE Select); coding-DNA position 1051, C replaced by G.
Protein change: p.Arg351Gly; replaces arginine 351 with glycine.
Molecular consequence: missense variant.
Genome position (GRCh38, 1-based): chr1:10,629,904, C>G. VCF-style: chr1-10629904-C-G. GRCh37 (hg19) VCF-style: chr1-10689961-C-G.
Other names: short protein forms R351G.
Identifiers: ClinVar variation 4984123 (VCV004984123.1).